The following is an entry in ClinVar:

ClinVar aggregate classification (germline): Conflicting classifications of pathogenicity. Review status: criteria provided, conflicting classifications (1 of 4 stars). 2 submissions from 2 submitters: Likely pathogenic (1); Uncertain significance (1). Last evaluated 2022-09-22.

Conditions:
Intellectual developmental disorder, X-linked, syndromic, Claes-Jensen type. Also called: Syndromic X-linked intellectual disability Claes-Jensen type; INTELLECTUAL DEVELOPMENTAL DISORDER, X-LINKED, SYNDROMIC 16; MENTAL RETARDATION, X-LINKED, SYNDROMIC 16. Identifiers: Orphanet 85279, MedGen C1845243, MONDO:0010355, OMIM 300534.
Spastic paraplegia. Identifiers: MedGen C0037772, HP:0001258.

Allele frequency attached by ClinVar (database versions not stated): gnomAD 0.00001.
gnomAD v4.1: 1 of 1,210,432 alleles (0.000083%); highest among the groups gnomAD compares: East Asian, 0.003%; no homozygotes.

Submissions (2):

Labcorp Genetics (formerly Invitae), Labcorp
Classification: Uncertain significance for Spastic paraplegia. Last evaluated: 2022-09-22. Review status: criteria provided, single submitter. Criteria: Invitae Variant Classification Sherloc (09022015). Collection method: clinical testing. Allele origin: germline.
Comment: In summary, the available evidence is currently insufficient to determine the role of this variant in disease. Therefore, it has been classified as a Variant of Uncertain Significance. Advanced modeling of protein sequence and biophysical properties (such as structural, functional, and spatial information, amino acid conservation, physicochemical variation, residue mobility, and thermodynamic stability) performed at Invitae indicates that this missense variant is expected to disrupt KDM5C protein function. This variant has not been reported in the literature in individuals affected with KDM5C-related conditions. This variant is present in population databases (no rsID available, gnomAD 0.1%). This sequence change replaces proline, which is neutral and non-polar, with arginine, which is basic and polar, at codon 598 of the KDM5C protein (p.Pro598Arg).

Molecular Genetics Lab, CHRU Brest
Classification: Likely pathogenic for Intellectual developmental disorder, X-linked, syndromic, Claes-Jensen type. Review status: criteria provided, single submitter. Criteria: ACMG Guidelines, 2015. Collection method: clinical testing. Allele origin: de novo. Affected: yes.

NM_004187.5(KDM5C):c.1793C>G (p.Pro598Arg)

Gene: KDM5C (lysine demethylase 5C; minus strand). Cytogenetic location: Xp11.22.
Variant type: single nucleotide variant.
Coding change: c.1793C>G on transcript NM_004187.5 (MANE Select); coding-DNA position 1793, C replaced by G.
Protein change: p.Pro598Arg; replaces proline 598 with arginine.
Molecular consequence: missense variant. On other transcripts: non-coding transcript variant (3).
Genome position (GRCh38, 1-based): chrX:53,201,927, G>C on the plus strand (C>G on the coding strand, the complement: KDM5C is on the minus strand). VCF-style: chrX-53201927-G-C. GRCh37 (hg19) VCF-style: chrX-53231109-G-C.
Other names: c.1793C>G (NM_004187.3); c.1592C>G, p.Pro531Arg (NM_001146702.2); c.1790C>G, p.Pro597Arg (NM_001282622.3, NM_001353979.2, NM_001353982.2); c.1793C>G, p.Pro598Arg (NM_001353978.3, NM_001353981.2, NM_001353984.2); short protein forms P531R, P597R, P598R.
Identifiers: ClinVar variation 1720027 (VCV001720027.6), dbSNP rs1556842216, ClinGen allele CA413124784.